The following is an entry in ClinVar:

NM_002506.3(NGF):c.208A>G (p.Ile70Val)

Genes: NGF (nerve growth factor; minus strand), NGF-AS1 (NGF antisense RNA 1; plus strand). Cytogenetic location: 1p13.2.
Variant type: single nucleotide variant.
Coding change: c.208A>G on transcript NM_002506.3 (MANE Select); coding-DNA position 208, A replaced by G.
Protein change: p.Ile70Val; replaces isoleucine 70 with valine.
Molecular consequence: missense variant.
Genome position (GRCh38, 1-based): chr1:115,286,588, T>C on the plus strand (A>G on the coding strand, the complement: NGF is on the minus strand). VCF-style: chr1-115286588-T-C. GRCh37 (hg19) VCF-style: chr1-115829209-T-C.
Other names: short protein forms I70V.
Identifiers: ClinVar variation 964644 (VCV000964644.9), dbSNP rs768794852, ClinGen allele CA1023025.
Genomic context (GRCh38, chr1:115,286,588, plus strand): 5'-TAAACAGCACACGGGGTGAACGGAGTCGCCGCTTTTTAAACAGCCTGGGGTCCACAGTAA[T>C]GTTGCGGGTCTGCCCCGCCACGCGTGCAGCTATCGCCGCTGCCGGGGCGCTGCGGGCTCT-3'
Protein context (NP_002497.2, residues 60-80): AARVAGQTRN[Ile70Val]TVDPRLFKKR

ClinVar aggregate classification (germline): Uncertain significance (1 of 4 stars; one submission).

Conditions:
Congenital sensory neuropathy with selective loss of small myelinated fibers (HSAN5). Also called: HSAN Type V. Identifiers: Orphanet 64752, MedGen C0020075, MONDO:0012092, OMIM 608654.

Allele frequency attached by ClinVar (database versions not stated): gnomAD below 0.00001 and 0.00001; TOPMed below 0.00001; gnomAD exomes 0.00002 and 0.00004; ExAC 0.00004.
gnomAD v4.1: 32 of 1,614,048 alleles (0.002%); highest among the groups gnomAD compares: South Asian, 0.034%; 1 homozygote.

Submission:

Labcorp Genetics (formerly Invitae), Labcorp
Classification: Uncertain significance for Congenital sensory neuropathy with selective loss of small myelinated fibers. Last evaluated: 2019-11-07. Review status: criteria provided, single submitter. Criteria: Invitae Variant Classification Sherloc (09022015). Collection method: clinical testing. Allele origin: germline.
Comment: This variant is present in population databases (rs768794852, ExAC 0.03%). This variant has not been reported in the literature in individuals with NGF-related conditions. Algorithms developed to predict the effect of missense changes on protein structure and function (SIFT, PolyPhen-2, Align-GVGD) all suggest that this variant is likely to be tolerated, but these predictions have not been confirmed by published functional studies and their clinical significance is uncertain. In summary, the available evidence is currently insufficient to determine the role of this variant in disease. Therefore, it has been classified as a Variant of Uncertain Significance. This sequence change replaces isoleucine with valine at codon 70 of the NGF protein (p.Ile70Val). The isoleucine residue is moderately conserved and there is a small physicochemical difference between isoleucine and valine.